The following is an entry in ClinVar:

ClinVar aggregate classification (germline): Likely benign (1 of 4 stars; one submission).

Allele frequency attached by ClinVar (database versions not stated): 1000 Genomes Project 30x 0.01171; 1000 Genomes Project 0.01198; TOPMed 0.01576; gnomAD 0.01929; gnomAD exomes 0.02484.
gnomAD v4.1: 21,325 of 898,702 alleles (2.4%); highest among the groups gnomAD compares: South Asian, 3.5%; 350 homozygotes.

Submission:

GeneDx
Classification: Likely benign. Last evaluated: 2021-05-12. Review status: criteria provided, single submitter. Criteria: GeneDx Variant Classification Process June 2021. Collection method: clinical testing. Allele origin: germline. Affected: yes.
Comment: See Variant Classification Assertion Criteria.

NM_001281740.3(FHOD3):c.3880-141A>G

Gene: FHOD3 (formin homology 2 domain containing 3; plus strand). Cytogenetic location: 18q12.2.
Variant type: single nucleotide variant.
Coding change: c.3880-141A>G on transcript NM_001281740.3 (MANE Select); 141 bases into the intron before coding-DNA position 3880, A replaced by G.
Molecular consequence: intron variant.
Genome position (GRCh38, 1-based): chr18:36,743,891, A>G. VCF-style: chr18-36743891-A-G. GRCh37 (hg19) VCF-style: chr18-34323854-A-G.
Other names: c.3355-141A>G (NM_025135.5); c.3304-141A>G (NM_001281739.3).
Identifiers: ClinVar variation 1706757 (VCV001706757.2), dbSNP rs117519729, ClinGen allele CA298673579.